The following is an entry in ClinVar:

ClinVar aggregate classification (germline): Uncertain significance (1 of 4 stars; one submission).

gnomAD v4.1: 191 of 1,613,720 alleles (0.012%); highest among the groups gnomAD compares: South Asian, 0.033%; no homozygotes.

Submission:

GeneDx
Classification: Uncertain significance. Last evaluated: 2024-12-13. Review status: criteria provided, single submitter. Criteria: GeneDx Variant Classification Process June 2021. Collection method: clinical testing. Allele origin: germline. Affected: yes.
Comment: In silico analysis supports that this missense variant has a deleterious effect on protein structure/function; Has not been previously published as pathogenic or benign to our knowledge

NM_002742.3(PRKD1):c.2572C>T (p.Arg858Cys)

Gene: PRKD1 (protein kinase D1; minus strand). Cytogenetic location: 14q12.
Variant type: single nucleotide variant.
Coding change: c.2572C>T on transcript NM_002742.3 (MANE Select); coding-DNA position 2572, C replaced by T.
Protein change: p.Arg858Cys; replaces arginine 858 with cysteine.
Molecular consequence: missense variant.
Genome position (GRCh38, 1-based): chr14:29,577,405, G>A on the plus strand (C>T on the coding strand, the complement: PRKD1 is on the minus strand). VCF-style: chr14-29577405-G-A. GRCh37 (hg19) VCF-style: chr14-30046611-G-A.
Other names: c.2596C>T, p.Arg866Cys (NM_001330069.2); c.2308C>T, p.Arg770Cys (NM_001348390.1); short protein forms R770C, R858C, R866C.
Identifiers: ClinVar variation 3902997 (VCV003902997.1).
Genomic context (GRCh38, chr14:29,577,405, plus strand): 5'-GCCCCTGCTCGCCTGCATACTTCTCCCACCTCAGGTCATCACTTTCATGGGTGATGTAGC[G>A]CTCCCCGATTTTGCATTCCAGCTCTCGCAAATCTAACCAGGTCTGATAGTCCTGAAGAAG-3'
Protein context (NP_002733.2, residues 848-868): LRELECKIGE[Arg858Cys]YITHESDDLR